The following is an entry in ClinVar:

NM_004281.4(BAG3):c.302A>G (p.Glu101Gly)

Gene: BAG3 (BAG cochaperone 3; plus strand). Cytogenetic location: 10q26.11.
Variant type: single nucleotide variant.
Coding change: c.302A>G on transcript NM_004281.4 (MANE Select); coding-DNA position 302, A replaced by G.
Protein change: p.Glu101Gly; replaces glutamic acid 101 with glycine.
Molecular consequence: missense variant.
Genome position (GRCh38, 1-based): chr10:119,669,972, A>G. VCF-style: chr10-119669972-A-G. GRCh37 (hg19) VCF-style: chr10-121429484-A-G.
Other names: short protein forms E101G.
Identifiers: ClinVar variation 1799005 (VCV001799005.3), dbSNP rs776827876, ClinGen allele CA5716284.
Genomic context (GRCh38, chr10:119,669,972, plus strand): 5'-AAGGCCACCCTGTGTACCCCCAGCTCCGACCAGGCTACATTCCCATTCCTGTGCTCCATG[A>G]AGGCGCTGAGAACCGGCAGGTGCACCCTTTCCATGTCTATCCCCAGCCTGGGATGCAGCG-3'
Protein context (NP_004272.2, residues 91-111): PGYIPIPVLH[Glu101Gly]GAENRQVHPF

ClinVar aggregate classification (germline): Uncertain significance. Review status: criteria provided, multiple submitters, no conflicts (2 of 4 stars). 2 submissions from 2 submitters: Uncertain significance (2). Last evaluated 2025-10-21.

Conditions:
Dilated cardiomyopathy 1HH (CMD1HH). Identifiers: Orphanet 154, MedGen C3151293, MONDO:0013479, OMIM 613881.
Myofibrillar myopathy 6. Identifiers: Orphanet 199340, MedGen C2751831, MONDO:0013061, OMIM 612954.
Cardiovascular phenotype. Identifiers: MedGen CN230736.

Allele frequency attached by ClinVar (database versions not stated): TOPMed below 0.00001; ExAC 0.00001; gnomAD 0.00001.
gnomAD v4.1: 3 of 1,614,042 alleles (0.00019%); highest among the groups gnomAD compares: African/African-American, 0.004%; no homozygotes.

Submissions (2):

Labcorp Genetics (formerly Invitae), Labcorp
Classification: Uncertain significance for Dilated cardiomyopathy 1HH; Myofibrillar myopathy 6. Last evaluated: 2025-10-21. Review status: criteria provided, single submitter. Criteria: Invitae Variant Classification Sherloc (09022015). Collection method: clinical testing. Allele origin: germline.
Comment: This sequence change replaces glutamic acid, which is acidic and polar, with glycine, which is neutral and non-polar, at codon 101 of the BAG3 protein (p.Glu101Gly). This variant is present in population databases (rs776827876, gnomAD 0.01%). This variant has not been reported in the literature in individuals affected with BAG3-related conditions. ClinVar contains an entry for this variant (Variation ID: 1799005). Invitae Evidence Modeling of protein sequence and biophysical properties (such as structural, functional, and spatial information, amino acid conservation, physicochemical variation, residue mobility, and thermodynamic stability) indicates that this missense variant is expected to disrupt BAG3 protein function with a positive predictive value of 80%. In summary, the available evidence is currently insufficient to determine the role of this variant in disease. Therefore, it has been classified as a Variant of Uncertain Significance.

Ambry Genetics
Classification: Uncertain significance for Cardiovascular phenotype. Last evaluated: 2021-09-15. Review status: criteria provided, single submitter. Criteria: Ambry Variant Classification Scheme 2023. Collection method: clinical testing. Allele origin: germline.
Comment: The p.E101G variant (also known as c.302A>G), located in coding exon 2 of the BAG3 gene, results from an A to G substitution at nucleotide position 302. The glutamic acid at codon 101 is replaced by glycine, an amino acid with similar properties. This amino acid position is conserved. In addition, the in silico prediction for this alteration is inconclusive. Since supporting evidence is limited at this time, the clinical significance of this alteration remains unclear.